The following is an entry in ClinVar:

NM_000153.4(GALC):c.898del (p.Tyr300fs)

Gene: GALC (galactosylceramidase; minus strand). Cytogenetic location: 14q31.3.
Variant type: Deletion.
Coding change: c.898del on transcript NM_000153.4 (MANE Select); coding-DNA position 898, one base deleted (T; older notation c.898delT).
Protein change: p.Tyr300fs; shifts the reading frame from tyrosine 300.
Molecular consequence: frameshift variant. On other transcripts: non-coding transcript variant (1).
Genome position (GRCh38, 1-based): chr14:87,968,345, A deleted on the plus strand (T on the coding strand, the reverse complement: GALC is on the minus strand). VCF-style (leftmost placement, unchanged base first): chr14-87968344-TA-T. GRCh37 (hg19) VCF-style: chr14-88434688-TA-T.
Other names: c.829del, p.Tyr277fs (NM_001201401.2); c.820del, p.Tyr274fs (NM_001201402.2); c.730del, p.Tyr244fs (NM_001424071.1, NM_001424072.1, NM_001424073.1); c.550del, p.Tyr184fs (NM_001424074.1, NM_001424075.1); c.265del, p.Tyr89fs (NM_001424076.1, NM_001424077.1); short protein forms Y184fs, Y244fs, Y274fs, Y277fs, Y300fs, Y89fs.
Identifiers: ClinVar variation 5015004 (VCV005015004.1).
Genomic context (GRCh38, chr14:87,968,344, plus strand): 5'-TGTTTTTAAATTTTTTTTGATAAGAACTCTAAAAGGTTTTTAATAACTTACGAAGTCATA[TA>T]GCCATTGATATAATTCTGATTTAAAATGCGACCCCAGCAGCCTGCACCCATGTCACTATT-3'

ClinVar aggregate classification (germline): Pathogenic (1 of 4 stars; one submission).

Conditions:
Galactosylceramide beta-galactosidase deficiency. Also called: GALACTOCEREBROSIDASE DEFICIENCY; GALC DEFICIENCY; GLOBOID CELL LEUKOENCEPHALOPATHY; Leukodystrophy, Globoid Cell; Krabbe Disease. Identifiers: Orphanet 487, MedGen C0023521, MONDO:0009499, OMIM 245200.

Submission:

Myriad Genetics, Inc.
Classification: Pathogenic for Galactosylceramide beta-galactosidase deficiency. Last evaluated: 2025-09-21. Review status: criteria provided, single submitter. Criteria: Myriad Autosomal Dominant, Autosomal Recessive and X-Linked Classification Criteria (2023). Collection method: clinical testing. Allele origin: unknown.
Comment: NM_000153.3(GALC):c.898delT(Y300Ifs*2) is expected to be pathogenic in the context of Krabbe disease. This variant is predicted to lead to an abnormal or absent protein product due to the creation of a premature termination codon in GALC, a gene where loss-of-function variants are known to be pathogenic. Please note: this variant was assessed in the context of healthy population screening.